The following is an entry in ClinVar:

ClinVar aggregate classification (germline): Uncertain significance. Review status: criteria provided, multiple submitters, no conflicts (2 of 4 stars). 3 submissions from 3 submitters: Uncertain significance (2). 1 of the submissions does not count toward it. Last evaluated 2022-06-27.

Conditions:
Methylcrotonyl-CoA carboxylase deficiency. Also called: 3 Methylcrotonylglycinuria; 3-MCC Deficiency; Deficiency of methylcrotonoyl-CoA carboxylase. Identifiers: Orphanet 6, MedGen C4551505, MONDO:0018950.
3-methylcrotonyl-CoA carboxylase 1 deficiency (MCC1D). Also called: MCC 1 deficiency; 3 Alpha methylcrotonylglycinuria 1; MCCD TYPE 1; METHYLCROTONYLGLYCINURIA TYPE I. Identifiers: Orphanet 6, MedGen CN028786, MONDO:0008861, OMIM 210200.

Allele frequency attached by ClinVar (database versions not stated): TOPMed 0.00001; ExAC 0.00002; gnomAD exomes 0.00002 and 0.00003; gnomAD 0.00003.
gnomAD v4.1: 27 of 1,614,048 alleles (0.0017%); highest among the groups gnomAD compares: Non-Finnish European, 0.0022%; no homozygotes.

Submissions (3):

Labcorp Genetics (formerly Invitae), Labcorp
Classification: Uncertain significance for 3-methylcrotonyl-CoA carboxylase 1 deficiency. Last evaluated: 2022-06-27. Review status: criteria provided, single submitter. Criteria: Invitae Variant Classification Sherloc (09022015). Collection method: clinical testing. Allele origin: germline.
Comment: This sequence change replaces valine, which is neutral and non-polar, with methionine, which is neutral and non-polar, at codon 697 of the MCCC1 protein (p.Val697Met). This variant is present in population databases (rs776138490, gnomAD 0.006%). This variant has not been reported in the literature in individuals affected with MCCC1-related conditions. ClinVar contains an entry for this variant (Variation ID: 991780). Algorithms developed to predict the effect of missense changes on protein structure and function are either unavailable or do not agree on the potential impact of this missense change (SIFT: "Deleterious"; PolyPhen-2: "Possibly Damaging"; Align-GVGD: "Class C0"). In summary, the available evidence is currently insufficient to determine the role of this variant in disease. Therefore, it has been classified as a Variant of Uncertain Significance.

Fulgent Genetics
Classification: Uncertain significance for 3-methylcrotonyl-CoA carboxylase 1 deficiency. Last evaluated: 2022-03-06. Review status: criteria provided, single submitter. Criteria: ACMG Guidelines, 2015. Collection method: clinical testing. Allele origin: unknown.

Natera, Inc.
Classification: Uncertain significance for 3-methylcrotonylglycinuria. Last evaluated: 2020-10-29. Review status: no assertion criteria provided. Collection method: clinical testing. Allele origin: germline. Not counted in ClinVar's aggregate classification.

NM_020166.5(MCCC1):c.2089G>A (p.Val697Met)

Gene: MCCC1 (methylcrotonyl-CoA carboxylase subunit 1; minus strand). Cytogenetic location: 3q27.1.
Variant type: single nucleotide variant.
Coding change: c.2089G>A on transcript NM_020166.5 (MANE Select); coding-DNA position 2089, G replaced by A.
Protein change: p.Val697Met; replaces valine 697 with methionine.
Molecular consequence: missense variant. On other transcripts: non-coding transcript variant (2).
Genome position (GRCh38, 1-based): chr3:183,015,527, C>T on the plus strand (G>A on the coding strand, the complement: MCCC1 is on the minus strand). VCF-style: chr3-183015527-C-T. GRCh37 (hg19) VCF-style: chr3-182733315-C-T.
Other names: c.1738G>A, p.Val580Met (NM_001293273.2); c.1762G>A, p.Val588Met (NM_001363880.1); short protein forms V580M, V588M, V697M.
Identifiers: ClinVar variation 991780 (VCV000991780.5), dbSNP rs776138490, ClinGen allele CA2718554.